The following is an entry in ClinVar:

NM_001917.5(DAO):c.195-7C>T

Gene: DAO (D-amino acid oxidase; plus strand). Cytogenetic location: 12q24.11.
Variant type: single nucleotide variant.
Coding change: c.195-7C>T on transcript NM_001917.5 (MANE Select); 7 bases into the intron before coding-DNA position 195, C replaced by T.
Molecular consequence: intron variant.
Genome position (GRCh38, 1-based): chr12:108,887,443, C>T. VCF-style: chr12-108887443-C-T. GRCh37 (hg19) VCF-style: chr12-109281219-C-T.
Other names: c.195-7C>T (NM_001413634.1, NM_001413635.1).
Identifiers: ClinVar variation 3048144 (VCV003048144.2), dbSNP rs1171352578, ClinGen allele CA683384418.
Genomic context (GRCh38, chr12:108,887,443, plus strand): 5'-CAGCTGACCTAAGGTTTTTTGCCCAGCTCAGGGCATTGGGTGATCGAACTCTTCATGACC[C>T]TTCCAGGGACTGGAGCCAACAGACCTTTGACTATCTCCTGAGCCATGTCCATTCTCCCAA-3'

ClinVar aggregate classification (germline): Likely benign (0 of 4 stars; one submission).

Conditions:
DAO-related disorder. Also called: DAO-related condition.

Allele frequency attached by ClinVar (database versions not stated): gnomAD exomes 0.00001; TOPMed 0.00001.
gnomAD v4.1: 14 of 1,609,600 alleles (0.00087%); highest among the groups gnomAD compares: Non-Finnish European, 0.0011%; no homozygotes.

Submission:

PreventionGenetics, part of Exact Sciences
Classification: Likely benign for DAO-related condition. Last evaluated: 2023-03-23. Review status: no assertion criteria provided. Collection method: clinical testing. Allele origin: germline.
Comment: This variant is classified as likely benign based on ACMG/AMP sequence variant interpretation guidelines (Richards et al. 2015 PMID: 25741868, with internal and published modifications).